The following is an entry in ClinVar:

NM_001006658.3(CR2):c.2536C>T (p.Arg846Cys)

Gene: CR2 (complement C3d receptor 2; plus strand). Cytogenetic location: 1q32.2.
Variant type: single nucleotide variant.
Coding change: c.2536C>T on transcript NM_001006658.3 (MANE Select); coding-DNA position 2536, C replaced by T.
Protein change: p.Arg846Cys; replaces arginine 846 with cysteine.
Molecular consequence: missense variant.
Genome position (GRCh38, 1-based): chr1:207,475,036, C>T. VCF-style: chr1-207475036-C-T. GRCh37 (hg19) VCF-style: chr1-207648381-C-T.
Other names: c.2359C>T, p.Arg787Cys (NM_001877.5); short protein forms R787C, R846C.
Identifiers: ClinVar variation 1484118 (VCV001484118.5), dbSNP rs758938753, ClinGen allele CA1368996.

ClinVar aggregate classification (germline): Uncertain significance (1 of 4 stars; one submission).

Conditions:
Immunodeficiency, common variable, 7. Identifiers: Orphanet 1572, Orphanet 696894, MedGen C3542922, MONDO:0013862, OMIM 614699.

Allele frequency attached by ClinVar (database versions not stated): gnomAD 0.00001 and 0.00002; gnomAD exomes 0.00003 and 0.00002; TOPMed 0.00002; ExAC 0.00001.
gnomAD v4.1: 52 of 1,613,986 alleles (0.0032%); highest among the groups gnomAD compares: Non-Finnish European, 0.0043%; no homozygotes.

Submission:

Labcorp Genetics (formerly Invitae), Labcorp
Classification: Uncertain significance for Immunodeficiency, common variable, 7. Last evaluated: 2021-08-14. Review status: criteria provided, single submitter. Criteria: Invitae Variant Classification Sherloc (09022015). Collection method: clinical testing. Allele origin: germline.
Comment: This sequence change replaces arginine with cysteine at codon 846 of the CR2 protein (p.Arg846Cys). The arginine residue is weakly conserved and there is a large physicochemical difference between arginine and cysteine. This variant is present in population databases (rs758938753, ExAC 0.001%). This variant has not been reported in the literature in individuals affected with CR2-related conditions. Algorithms developed to predict the effect of missense changes on protein structure and function are either unavailable or do not agree on the potential impact of this missense change (SIFT: "Deleterious"; PolyPhen-2: "Benign"; Align-GVGD: "Class C15"). In summary, the available evidence is currently insufficient to determine the role of this variant in disease. Therefore, it has been classified as a Variant of Uncertain Significance.